The following is an entry in ClinVar:

NM_032608.7(MYO18B):c.1182G>C (p.Lys394Asn)

Gene: MYO18B (myosin XVIIIB; plus strand). Cytogenetic location: 22q12.1.
Variant type: single nucleotide variant.
Coding change: c.1182G>C on transcript NM_032608.7 (MANE Select); coding-DNA position 1182, G replaced by C.
Protein change: p.Lys394Asn; replaces lysine 394 with asparagine.
Molecular consequence: missense variant.
Genome position (GRCh38, 1-based): chr22:25,769,098, G>C. VCF-style: chr22-25769098-G-C. GRCh37 (hg19) VCF-style: chr22-26165065-G-C.
Other names: c.1182G>C (NM_032608.5); c.1182G>C, p.Lys394Asn (NM_001318245.2); short protein forms K394N.
Identifiers: ClinVar variation 712017 (VCV000712017.37), dbSNP rs201312229, ClinGen allele CA10159773.

ClinVar aggregate classification (germline): Conflicting classifications of pathogenicity. Review status: criteria provided, conflicting classifications (1 of 4 stars). 5 submissions from 5 submitters: Uncertain significance (1); Likely benign (3). 1 of the submissions does not count toward it. Last evaluated 2026-01-21.

Conditions:
MYO18B-related disorder. Also called: MYO18B-related condition.
Inborn genetic diseases. Identifiers: MedGen C0950123, MeSH D030342.

Allele frequency attached by ClinVar (database versions not stated): 1000 Genomes Project 30x 0.00047; 1000 Genomes Project 0.00060; ExAC 0.00100; gnomAD exomes 0.00122 and 0.00218; gnomAD 0.00161 and 0.00168; ESP Exome Variant Server 0.00182; TOPMed 0.00234.
gnomAD v4.1: 3,448 of 1,613,530 alleles (0.21%); highest among the groups gnomAD compares: Non-Finnish European, 0.25%; 8 homozygotes.

Submissions (5):

Labcorp Genetics (formerly Invitae), Labcorp
Classification: Likely benign. Last evaluated: 2026-01-21. Review status: criteria provided, single submitter. Criteria: Invitae Variant Classification Sherloc (09022015). Collection method: clinical testing. Allele origin: germline.

Blueprint Genetics
Classification: Likely benign. Last evaluated: 2024-11-20. Review status: criteria provided, single submitter. Criteria: ACMG Guidelines, 2015. Collection method: clinical testing. Allele origin: germline.

Ambry Genetics
Classification: Uncertain significance for Inborn genetic diseases. Last evaluated: 2024-08-20. Review status: criteria provided, single submitter. Criteria: Ambry Variant Classification Scheme 2023. Collection method: clinical testing. Allele origin: germline.

CeGaT Center for Human Genetics Tuebingen
Classification: Likely benign. Last evaluated: 2022-05-01. Review status: criteria provided, single submitter. Criteria: CeGaT Center For Human Genetics Tuebingen Variant Classification Criteria Version 2. Collection method: clinical testing. Allele origin: germline. Affected: yes. Observed: 1 variant allele.
Comment: MYO18B: BP4, BS2

PreventionGenetics, part of Exact Sciences
Classification: Likely benign for MYO18B-related condition. Last evaluated: 2024-02-21. Review status: no assertion criteria provided. Collection method: clinical testing. Allele origin: germline. Not counted in ClinVar's aggregate classification.
Comment: This variant is classified as likely benign based on ACMG/AMP sequence variant interpretation guidelines (Richards et al. 2015 PMID: 25741868, with internal and published modifications).